The following is an entry in ClinVar:

ClinVar aggregate classification (germline): Uncertain significance (1 of 4 stars; one submission).

Conditions:
Angelman syndrome-like. Identifiers: MedGen CN128785.
Developmental and epileptic encephalopathy, 2 (DEE2). Also called: CDKL5 deficiency disorder; INFANTILE SPASM SYNDROME, X-LINKED 2. Identifiers: Orphanet 1934, Orphanet 3451, Orphanet 505652, MedGen C4750718, MONDO:0010396, OMIM 300672.

Allele frequency attached by ClinVar (database versions not stated): gnomAD 0.00001; TOPMed 0.00001.
gnomAD v4.1: 1 of 1,209,819 alleles (0.000083%); highest among the groups gnomAD compares: African/African-American, 0.0018%; no homozygotes.

Submission:

Labcorp Genetics (formerly Invitae), Labcorp
Classification: Uncertain significance for Developmental and epileptic encephalopathy, 2; Angelman syndrome-like. Last evaluated: 2023-03-25. Review status: criteria provided, single submitter. Criteria: Invitae Variant Classification Sherloc (09022015). Collection method: clinical testing. Allele origin: germline.
Comment: This sequence change replaces arginine, which is basic and polar, with lysine, which is basic and polar, at codon 1010 of the CDKL5 protein (p.Arg1010Lys). This variant is not present in population databases (gnomAD no frequency). This variant has not been reported in the literature in individuals affected with CDKL5-related conditions. ClinVar contains an entry for this variant (Variation ID: 1040769). Advanced modeling of protein sequence and biophysical properties (such as structural, functional, and spatial information, amino acid conservation, physicochemical variation, residue mobility, and thermodynamic stability) performed at Invitae indicates that this missense variant is not expected to disrupt CDKL5 protein function. In summary, the available evidence is currently insufficient to determine the role of this variant in disease. Therefore, it has been classified as a Variant of Uncertain Significance.

NC_000023.11:g.18653480G>A

Genes: CDKL5 (cyclin dependent kinase like 5; plus strand), RS1 (retinoschisin 1; minus strand). Cytogenetic location: Xp22.13.
Variant type: single nucleotide variant.
Molecular consequence: intron variant (on NM_000330.4). On other transcripts: missense variant (2).
Genome position: GRCh38 VCF-style: chrX-18653480-G-A. GRCh37 (hg19) VCF-style: chrX-18671600-G-A.
Other names: c.3029G>A, p.Arg1010Lys (NM_001037343.2, NM_003159.3); c.184+3173C>T (NM_000330.4); short protein forms R1010K.
Identifiers: ClinVar variation 1040769 (VCV001040769.10), dbSNP rs1018524335, ClinGen allele CA327013570.